The following is an entry in ClinVar:

NM_000057.4(BLM):c.874GAT[5] (p.Asp295dup)

Gene: BLM (BLM RecQ like helicase; plus strand). Cytogenetic location: 15q26.1.
Variant type: Microsatellite.
Coding change: c.874GAT[5] on transcript NM_000057.4 (MANE Select); five copies in a row of the 3-base unit GAT starting at c.874; the reference has four copies in a row; one copy, 3 bases duplicated.
Protein change: p.Asp295dup; duplicates aspartic acid 295.
Molecular consequence: inframe insertion. On other transcripts: 5 prime UTR variant (1).
Genome position (GRCh38, 1-based): chr15:90,751,870-90,751,872, GAT duplicated; duplicating any 3 consecutive bases within chr15:90,751,860-90,751,872 gives the same sequence; the position shown is the placement nearest the transcript's 3' end. VCF-style (leftmost placement, unchanged base first): chr15-90751859-T-TTGA. GRCh37 (hg19) VCF-style: chr15-91295089-T-TTGA.
Other names: c.874GAT[5], p.Asp295dup (NM_001287246.2, NM_001287247.2); c.-418GAT[5] (NM_001287248.2); c.883_885dupGAT (NM_000057.2).
Identifiers: ClinVar variation 524796 (VCV000524796.11), dbSNP rs1208432656, ClinGen allele CA658798428.

ClinVar aggregate classification (germline): Uncertain significance. Review status: criteria provided, multiple submitters, no conflicts (2 of 4 stars). 3 submissions from 3 submitters: Uncertain significance (3). Last evaluated 2025-07-23.

Conditions:
Bloom syndrome (BLM). Also called: Bloom-Torre-Machacek syndrome. Identifiers: Orphanet 125, MedGen C0005859, MONDO:0008876, OMIM 210900.
Hereditary cancer-predisposing syndrome. Also called: Neoplastic Syndromes, Hereditary; Hereditary neoplastic syndrome; Tumor predisposition; Hereditary Cancer Syndrome. Identifiers: Orphanet 140162, MedGen C0027672, MeSH D009386, MONDO:0015356.

Submissions (3):

Labcorp Genetics (formerly Invitae), Labcorp
Classification: Uncertain significance for Bloom syndrome. Last evaluated: 2025-07-23. Review status: criteria provided, single submitter. Criteria: Invitae Variant Classification Sherloc (09022015). Collection method: clinical testing. Allele origin: germline.
Comment: This variant, c.883_885dup, results in the insertion of 1 amino acid(s) of the BLM protein (p.Asp295dup), but otherwise preserves the integrity of the reading frame. This variant is not present in population databases (gnomAD no frequency). This variant has not been reported in the literature in individuals affected with BLM-related conditions. Experimental studies and prediction algorithms are not available or were not evaluated, and the functional significance of this variant is currently unknown. In summary, the available evidence is currently insufficient to determine the role of this variant in disease. Therefore, it has been classified as a Variant of Uncertain Significance.

Ambry Genetics
Classification: Uncertain significance for Hereditary cancer-predisposing syndrome. Last evaluated: 2024-10-28. Review status: criteria provided, single submitter. Criteria: Ambry Variant Classification Scheme 2023. Collection method: clinical testing. Allele origin: germline.
Comment: The c.883_885dupGAT variant (also known as p.D295dup), located in coding exon 3 of the BLM gene, results from an in-frame duplication of GAT at nucleotide positions 883 to 885. This results in the duplication of an extra aspartic acid residue between codons 295 and 296. This amino acid position is highly conserved in available vertebrate species. In addition, this alteration is predicted to be neutral by in silico analysis (Choi Y et al. PLoS ONE. 2012; 7(10):e46688). Based on the available evidence, the clinical significance of this variant remains unclear.

Breakthrough Genomics
Classification: Uncertain significance. Review status: criteria provided, single submitter. Criteria: ACMG Guidelines, 2015. Collection method: not provided. Allele origin: germline. Inheritance: Autosomal recessive inheritance. Affected: yes.